The following is an entry in ClinVar:

NM_020699.4(GATAD2B):c.1216G>C (p.Gly406Arg)

Gene: GATAD2B (GATA zinc finger domain containing 2B; minus strand). Cytogenetic location: 1q21.3.
Variant type: single nucleotide variant.
Coding change: c.1216G>C on transcript NM_020699.4 (MANE Select); coding-DNA position 1216, G replaced by C.
Protein change: p.Gly406Arg; replaces glycine 406 with arginine.
Molecular consequence: missense variant.
Genome position (GRCh38, 1-based): chr1:153,816,273, C>G on the plus strand (G>C on the coding strand, the complement: GATAD2B is on the minus strand). VCF-style: chr1-153816273-C-G. GRCh37 (hg19) VCF-style: chr1-153788749-C-G.
Other names: short protein forms G406R.
Identifiers: ClinVar variation 3903178 (VCV003903178.1).

ClinVar aggregate classification (germline): Pathogenic (1 of 4 stars; one submission).

Submission:

GeneDx
Classification: Pathogenic. Last evaluated: 2024-12-11. Review status: criteria provided, single submitter. Criteria: GeneDx Variant Classification Process June 2021. Collection method: clinical testing. Allele origin: germline. Affected: yes.
Comment: Functional studies showed no significant affect of G406R on interaction of GATAD2B with its nucleosome remodeling and deacetylase (NuRD) complex partners; however, the authors postulate that this variant may impact splicing since the c.1216G>C substitution associated with G406R involves the final nucleotide of exon 7 (PMID: 31949314); In silico analysis suggests this variant may impact gene splicing. In the absence of RNA/functional studies, the actual effect of this sequence change is unknown.; In silico analysis indicates that this missense variant does not alter protein structure/function; Not observed at significant frequency in large population cohorts (gnomAD); This variant is associated with the following publications: (PMID: 31949314)